The following is an entry in ClinVar:

NM_006397.3(RNASEH2A):c.268G>T (p.Gly90Cys)

Gene: RNASEH2A (ribonuclease H2 subunit A; plus strand). Cytogenetic location: 19p13.13.
Variant type: single nucleotide variant.
Coding change: c.268G>T on transcript NM_006397.3 (MANE Select); coding-DNA position 268, G replaced by T.
Protein change: p.Gly90Cys; replaces glycine 90 with cysteine.
Molecular consequence: missense variant.
Genome position (GRCh38, 1-based): chr19:12,807,274, G>T. VCF-style: chr19-12807274-G-T. GRCh37 (hg19) VCF-style: chr19-12918088-G-T.
Other names: short protein forms G90C.
Identifiers: ClinVar variation 2124381 (VCV002124381.4), dbSNP rs773318256, ClinGen allele CA404265076.

ClinVar aggregate classification (germline): Uncertain significance (1 of 4 stars; one submission).

Conditions:
Aicardi-Goutieres syndrome 4. Identifiers: Orphanet 51, MedGen C1835912, MONDO:0012472, OMIM 610333.

Submission:

Labcorp Genetics (formerly Invitae), Labcorp
Classification: Uncertain significance for Aicardi-Goutieres syndrome 4. Last evaluated: 2022-04-10. Review status: criteria provided, single submitter. Criteria: Invitae Variant Classification Sherloc (09022015). Collection method: clinical testing. Allele origin: germline.
Comment: This sequence change replaces glycine, which is neutral and non-polar, with cysteine, which is neutral and slightly polar, at codon 90 of the RNASEH2A protein (p.Gly90Cys). This variant is not present in population databases (gnomAD no frequency). This variant has not been reported in the literature in individuals affected with RNASEH2A-related conditions. Algorithms developed to predict the effect of missense changes on protein structure and function (SIFT, PolyPhen-2, Align-GVGD) all suggest that this variant is likely to be disruptive. In summary, the available evidence is currently insufficient to determine the role of this variant in disease. Therefore, it has been classified as a Variant of Uncertain Significance.